The following is an entry in ClinVar:

NM_020738.4(KIDINS220):c.4184C>T (p.Ser1395Phe)

Gene: KIDINS220 (kinase D interacting substrate 220; minus strand). Cytogenetic location: 2p25.1.
Variant type: single nucleotide variant.
Coding change: c.4184C>T on transcript NM_020738.4 (MANE Select); coding-DNA position 4184, C replaced by T.
Protein change: p.Ser1395Phe; replaces serine 1395 with phenylalanine.
Molecular consequence: missense variant. On other transcripts: intron variant (6).
Genome position (GRCh38, 1-based): chr2:8,731,852, G>A on the plus strand (C>T on the coding strand, the complement: KIDINS220 is on the minus strand). VCF-style: chr2-8731852-G-A. GRCh37 (hg19) VCF-style: chr2-8871982-G-A.
Other names: c.4187C>T, p.Ser1396Phe (NM_001348729.2); c.4130C>T, p.Ser1377Phe (NM_001348731.2); c.4127C>T, p.Ser1376Phe (NM_001348732.2); c.4016C>T, p.Ser1339Phe (NM_001348734.2); c.4013C>T, p.Ser1338Phe (NM_001348735.2); c.3887C>T, p.Ser1296Phe (NM_001348736.2); c.3882+1592C>T (NM_001348741.2, NM_001348742.2, NM_001348743.2); c.3996+1592C>T (NM_001348738.2); and 1 more; short protein forms S1339F, S1376F, S1296F, S1395F, S1338F, S1377F, S1396F.
Identifiers: ClinVar variation 4994943 (VCV004994943.1).

ClinVar aggregate classification (germline): Uncertain significance (1 of 4 stars; one submission).

Conditions:
KIDINS220-related disorder. Also called: KIDINS220-related condition.

gnomAD v4.1: 3 of 1,613,982 alleles (0.00019%); highest among the groups gnomAD compares: African/African-American, 0.004%; no homozygotes.

Submission:

PreventionGenetics, part of Exact Sciences
Classification: Uncertain significance for KIDINS220-related condition. Last evaluated: 2025-09-12. Review status: criteria provided, single submitter. Criteria: ACMG Guidelines, 2015. Collection method: clinical testing. Allele origin: germline.
Comment: The KIDINS220 c.4184C>T variant is predicted to result in the amino acid substitution p.Ser1395Phe. To our knowledge, this variant has not been reported in the literature. This variant is reported in 0.013% of alleles in individuals of African descent in gnomAD. At this time, the clinical significance of this variant is uncertain due to the absence of conclusive functional and genetic evidence.